The following is an entry in ClinVar:

NM_001099922.3(ALG13):c.632A>G (p.Tyr211Cys)

Gene: ALG13 (ALG13 UDP-N-acetylglucosaminyltransferase subunit; plus strand). Cytogenetic location: Xq23.
Variant type: single nucleotide variant.
Coding change: c.632A>G on transcript NM_001099922.3 (MANE Select); coding-DNA position 632, A replaced by G.
Protein change: p.Tyr211Cys; replaces tyrosine 211 with cysteine.
Molecular consequence: missense variant. On other transcripts: non-coding transcript variant (1).
Genome position (GRCh38, 1-based): chrX:111,708,275, A>G. VCF-style: chrX-111708275-A-G. GRCh37 (hg19) VCF-style: chrX-110951503-A-G.
Other names: c.320A>G, p.Tyr107Cys (NM_001257230.2, NM_001257234.2, NM_001257237.2 and 1 more transcripts); c.398A>G, p.Tyr133Cys (NM_001257231.2); c.632A>G, p.Tyr211Cys (NM_001324292.2); short protein forms Y211C, Y107C, Y133C.
Identifiers: ClinVar variation 432029 (VCV000432029.6), dbSNP rs1556483387, ClinGen allele CA414249724.

ClinVar aggregate classification (germline): Conflicting classifications of pathogenicity. Review status: criteria provided, conflicting classifications (1 of 4 stars). 3 submissions from 3 submitters: Likely pathogenic (2); Uncertain significance (1). Last evaluated 2025-11-01.

Conditions:
Developmental and epileptic encephalopathy, 36 (DEE36). Also called: Epileptic encephalopathy, early infantile, 36; Congenital disorder of glycosylation, type Is; ALG13-CDG. Identifiers: Orphanet 324422, MedGen C4317295, MONDO:0010472, OMIM 300884.

Allele frequency attached by ClinVar (database versions not stated): gnomAD exomes below 0.00001.
gnomAD v4.1: 2 of 1,211,835 alleles (0.00017%); highest among the groups gnomAD compares: Non-Finnish European, 0.00022%; no homozygotes.

Submissions (3):

Medical Molecular Genetics, National Research Centre
Classification: Likely pathogenic for Developmental and epileptic encephalopathy, 36. Last evaluated: 2025-11-01. Review status: criteria provided, single submitter. Criteria: ACMG Guidelines, 2015. Collection method: research. Allele origin: inherited. Affected: yes.

Labcorp Genetics (formerly Invitae), Labcorp
Classification: Uncertain significance for Developmental and epileptic encephalopathy, 36. Last evaluated: 2025-04-17. Review status: criteria provided, single submitter. Criteria: Invitae Variant Classification Sherloc (09022015). Collection method: clinical testing. Allele origin: germline.
Comment: This sequence change replaces tyrosine, which is neutral and polar, with cysteine, which is neutral and slightly polar, at codon 211 of the ALG13 protein (p.Tyr211Cys). This variant is not present in population databases (gnomAD no frequency). This missense change has been observed in individual(s) with clinical features of ALG13-related conditions (PMID: 33057194, 35982159). ClinVar contains an entry for this variant (Variation ID: 432029). Invitae Evidence Modeling of protein sequence and biophysical properties (such as structural, functional, and spatial information, amino acid conservation, physicochemical variation, residue mobility, and thermodynamic stability) indicates that this missense variant is not expected to disrupt ALG13 protein function with a negative predictive value of 95%. In summary, the available evidence is currently insufficient to determine the role of this variant in disease. Therefore, it has been classified as a Variant of Uncertain Significance.

GeneDx
Classification: Likely pathogenic. Last evaluated: 2015-11-25. Review status: criteria provided, single submitter. Criteria: GeneDx Variant Classification (06012015). Collection method: clinical testing. Allele origin: germline. Affected: yes.
Comment: The Y211C variant in the ALG13 gene has not been reported previously as a pathogenic variant, nor as a benign variant, to our knowledge. The Y211C variant was not observed in approximately 5,200 individuals of European and African American ancestry in the NHLBI Exome Sequencing Project, indicating it is not a common benign variant in these populations. The Y211C variant is a non-conservative amino acid substitution, which is likely to impact secondary protein structure as these residues differ in polarity, charge, size and/or other properties. This substitution occurs at a position that is not conserved. In silico analysis is inconsistent in its predictions as to whether or not the variant is damaging to the protein structure/function. The Y211C variant is a strong candidate for a pathogenic variant

Literature cited by the submitters: PubMed 33057194 (cited by Labcorp Genetics (formerly Invitae), Labcorp); PubMed 35982159 (cited by Labcorp Genetics (formerly Invitae), Labcorp).